The following is an entry in ClinVar:

NM_004523.4(KIF11):c.2914A>G (p.Thr972Ala)

Gene: KIF11 (kinesin family member 11; plus strand). Cytogenetic location: 10q23.33.
Variant type: single nucleotide variant.
Coding change: c.2914A>G on transcript NM_004523.4 (MANE Select); coding-DNA position 2914, A replaced by G.
Protein change: p.Thr972Ala; replaces threonine 972 with alanine.
Molecular consequence: missense variant.
Genome position (GRCh38, 1-based): chr10:92,649,978, A>G. VCF-style: chr10-92649978-A-G. GRCh37 (hg19) VCF-style: chr10-94409735-A-G.
Other names: short protein forms T972A.
Identifiers: ClinVar variation 285173 (VCV000285173.21), dbSNP rs143577999, ClinGen allele CA5604490.
Genomic context (GRCh38, chr10:92,649,978, plus strand): 5'-AAAAGGAAACAGCCTGAGCTGTTAATGATGCTAAACTGTTCAGAAAACAACAAAGAAGAG[A>G]CAATTCCGGTAAATTTAAAGGATCATATTTTATAATAGAACTCTTTTATGAACTCTTGAT-3'
Protein context (NP_004514.2, residues 962-982): LNCSENNKEE[Thr972Ala]IPDVDVEEAV

ClinVar aggregate classification (germline): Benign/Likely benign. Review status: criteria provided, multiple submitters, no conflicts (2 of 4 stars). 6 submissions from 6 submitters: Benign (1); Likely benign (4). 1 of the submissions does not count toward it. Last evaluated 2025-06-04.

Conditions:
KIF11-related disorder. Also called: KIF11-related condition.
Inborn genetic diseases. Identifiers: MedGen C0950123, MeSH D030342.

Allele frequency attached by ClinVar (database versions not stated): gnomAD exomes 0.00004 and 0.00010; ExAC 0.00012; 1000 Genomes Project 30x 0.00016; 1000 Genomes Project 0.00020; ESP Exome Variant Server 0.00038; TOPMed 0.00046; gnomAD 0.00048.
gnomAD v4.1: 136 of 1,608,512 alleles (0.0085%); highest among the groups gnomAD compares: African/African-American, 0.16%; no homozygotes.

Submissions (6):

Labcorp Genetics (formerly Invitae), Labcorp
Classification: Likely benign. Last evaluated: 2025-06-04. Review status: criteria provided, single submitter. Criteria: Invitae Variant Classification Sherloc (09022015). Collection method: clinical testing. Allele origin: germline.

Blueprint Genetics
Classification: Likely benign. Last evaluated: 2023-09-14. Review status: criteria provided, single submitter. Criteria: ACMG Guidelines, 2015. Collection method: clinical testing. Allele origin: germline.

Ambry Genetics
Classification: Likely benign for Inborn genetic diseases. Last evaluated: 2021-09-16. Review status: criteria provided, single submitter. Criteria: Ambry Variant Classification Scheme 2023. Collection method: clinical testing. Allele origin: germline.

GeneDx
Classification: Benign. Last evaluated: 2021-03-24. Review status: criteria provided, single submitter. Criteria: GeneDx Variant Classification Process June 2021. Collection method: clinical testing. Allele origin: germline. Affected: yes.

Eurofins Ntd Llc (ga)
Classification: Likely benign. Last evaluated: 2016-03-24. Review status: criteria provided, single submitter. Criteria: EGL Classification Definitions 2015. Collection method: clinical testing. Allele origin: germline. Observed: 2 variant alleles, 2 heterozygotes.

PreventionGenetics, part of Exact Sciences
Classification: Likely benign for KIF11-related condition. Last evaluated: 2023-01-09. Review status: no assertion criteria provided. Collection method: clinical testing. Allele origin: germline. Not counted in ClinVar's aggregate classification.
Comment: This variant is classified as likely benign based on ACMG/AMP sequence variant interpretation guidelines (Richards et al. 2015 PMID: 25741868, with internal and published modifications).